The following is an entry in ClinVar:

ClinVar aggregate classification (germline): Uncertain significance (1 of 4 stars; one submission).

Submission:

Labcorp Genetics (formerly Invitae), Labcorp
Classification: Uncertain significance. Last evaluated: 2025-03-07. Review status: criteria provided, single submitter. Criteria: Invitae Variant Classification Sherloc (09022015). Collection method: clinical testing. Allele origin: germline.
Comment: This variant, c.219_221dup, results in the insertion of 1 amino acid(s) of the FOXI3 protein (p.Ala74dup), but otherwise preserves the integrity of the reading frame. This variant is present in population databases (no rsID available, gnomAD 0.09%), and has an allele count higher than expected for a pathogenic variant. This variant has not been reported in the literature in individuals affected with FOXI3-related conditions. Experimental studies and prediction algorithms are not available or were not evaluated, and the functional significance of this variant is currently unknown. In summary, the available evidence is currently insufficient to determine the role of this variant in disease. Therefore, it has been classified as a Variant of Uncertain Significance.

NM_001135649.3(FOXI3):c.213CGC[4] (p.Ala74dup)

Gene: FOXI3 (forkhead box I3; minus strand). Cytogenetic location: 2p11.2.
Variant type: Microsatellite.
Coding change: c.213CGC[4] on transcript NM_001135649.3 (MANE Select); four copies in a row of the 3-base unit CGC starting at c.213; the reference has three copies in a row; one copy, 3 bases duplicated.
Protein change: p.Ala74dup; duplicates alanine 74.
Molecular consequence: inframe insertion.
Genome position (GRCh38, 1-based): chr2:88,452,315-88,452,317, GCG duplicated on the plus strand (CGC on the coding strand, the reverse complement: FOXI3 is on the minus strand); duplicating any 3 consecutive bases within chr2:88,452,315-88,452,325 gives the same sequence; the position shown is the placement nearest the transcript's 3' end. VCF-style (leftmost placement, unchanged base first): chr2-88452314-C-CGCG. GRCh37 (hg19) VCF-style: chr2-88751832-C-CGCG.
Identifiers: ClinVar variation 1051789 (VCV001051789.8), dbSNP rs1454856848, ClinGen allele CA534638482.